The following is an entry in ClinVar:

ClinVar aggregate classification (germline): Uncertain significance (1 of 4 stars; one submission).

Allele frequency attached by ClinVar (database versions not stated): TOPMed below 0.00001; gnomAD 0.00001.
gnomAD v4.1: 5 of 1,183,488 alleles (0.00042%); highest among the groups gnomAD compares: Non-Finnish European, 0.00052%; no homozygotes.

Submission:

Labcorp Genetics (formerly Invitae), Labcorp
Classification: Uncertain significance. Last evaluated: 2022-07-09. Review status: criteria provided, single submitter. Criteria: Invitae Variant Classification Sherloc (09022015). Collection method: clinical testing. Allele origin: germline.
Comment: This sequence change replaces arginine, which is basic and polar, with glutamine, which is neutral and polar, at codon 5 of the GRM6 protein (p.Arg5Gln). This variant is not present in population databases (gnomAD no frequency). This variant has not been reported in the literature in individuals affected with GRM6-related conditions. Advanced modeling of protein sequence and biophysical properties (such as structural, functional, and spatial information, amino acid conservation, physicochemical variation, residue mobility, and thermodynamic stability) performed at Invitae indicates that this missense variant is not expected to disrupt GRM6 protein function. In summary, the available evidence is currently insufficient to determine the role of this variant in disease. Therefore, it has been classified as a Variant of Uncertain Significance.

NM_000843.4(GRM6):c.14G>A (p.Arg5Gln)

Gene: GRM6 (glutamate metabotropic receptor 6; minus strand). Cytogenetic location: 5q35.3.
Variant type: single nucleotide variant.
Coding change: c.14G>A on transcript NM_000843.4 (MANE Select); coding-DNA position 14, G replaced by A.
Protein change: p.Arg5Gln; replaces arginine 5 with glutamine.
Molecular consequence: missense variant.
Genome position (GRCh38, 1-based): chr5:178,994,931, C>T on the plus strand (G>A on the coding strand, the complement: GRM6 is on the minus strand). VCF-style: chr5-178994931-C-T. GRCh37 (hg19) VCF-style: chr5-178421932-C-T.
Other names: short protein forms R5Q.
Identifiers: ClinVar variation 1943369 (VCV001943369.2), dbSNP rs1304988395, ClinGen allele CA362437240.